The following is an entry in ClinVar:

ClinVar aggregate classification (germline): Pathogenic (1 of 4 stars; one submission).

Submission:

Labcorp Genetics (formerly Invitae), Labcorp
Classification: Pathogenic. Last evaluated: 2021-05-05. Review status: criteria provided, single submitter. Criteria: Invitae Variant Classification Sherloc (09022015). Collection method: clinical testing. Allele origin: germline.
Comment: This sequence change creates a premature translational stop signal (p.Ser417Argfs*4) in the PPP3CA gene. It is expected to result in an absent or disrupted protein product. Loss-of-function variants in PPP3CA are known to be pathogenic (PMID: 28942967, 29432562, 30455226, 30951195). This variant is not present in population databases (ExAC no frequency). This variant has not been reported in the literature in individuals with PPP3CA-related conditions. For these reasons, this variant has been classified as Pathogenic.

Literature cited by the submitters: PubMed 28942967; PubMed 29432562; PubMed 30455226; PubMed 30951195.

NM_000944.5(PPP3CA):c.1251_1254del (p.Ser417fs)

Gene: PPP3CA (protein phosphatase 3 catalytic subunit alpha; minus strand). Cytogenetic location: 4q24.
Variant type: Deletion.
Coding change: c.1251_1254del on transcript NM_000944.5 (MANE Select); coding-DNA positions 1251 to 1254, 4 bases deleted (TGAG; older notation c.1251_1254delTGAG).
Protein change: p.Ser417fs; shifts the reading frame from serine 417.
Molecular consequence: frameshift variant.
Genome position (GRCh38, 1-based): chr4:101,032,352-101,032,355, CTCA deleted on the plus strand (TGAG on the coding strand, the reverse complement: PPP3CA is on the minus strand); deleting any 4 consecutive bases within chr4:101,032,352-101,032,358 gives the same sequence; the c. name uses the placement nearest the transcript's 3' end. VCF-style (leftmost placement, unchanged base first): chr4-101032351-TCTCA-T. GRCh37 (hg19) VCF-style: chr4-101953508-TCTCA-T.
Other names: c.1251_1254del, p.Ser417fs (NM_001130691.2); c.1125_1128del, p.Ser375fs (NM_001130692.2); short protein forms S417fs, S375fs.
Identifiers: ClinVar variation 1366464 (VCV001366464.6), dbSNP rs2110205238, ClinGen allele CA2573137743.